The following is an entry in ClinVar:

ClinVar aggregate classification (germline): Uncertain significance (1 of 4 stars; one submission).

Allele frequency attached by ClinVar (database versions not stated): gnomAD exomes below 0.00001.
gnomAD v4.1: 1 of 1,614,184 alleles (0.000062%); highest among the groups gnomAD compares: Non-Finnish European, 0.000085%; no homozygotes.

Submission:

Labcorp Genetics (formerly Invitae), Labcorp
Classification: Uncertain significance. Last evaluated: 2023-12-11. Review status: criteria provided, single submitter. Criteria: Invitae Variant Classification Sherloc (09022015). Collection method: clinical testing. Allele origin: germline.
Comment: This sequence change replaces glutamic acid, which is acidic and polar, with lysine, which is basic and polar, at codon 621 of the DDX58 protein (p.Glu621Lys). This variant is not present in population databases (gnomAD no frequency). This variant has not been reported in the literature in individuals affected with DDX58-related conditions. ClinVar contains an entry for this variant (Variation ID: 1480162). Advanced modeling of protein sequence and biophysical properties (such as structural, functional, and spatial information, amino acid conservation, physicochemical variation, residue mobility, and thermodynamic stability) performed at Invitae indicates that this missense variant is not expected to disrupt DDX58 protein function with a negative predictive value of 80%. In summary, the available evidence is currently insufficient to determine the role of this variant in disease. Therefore, it has been classified as a Variant of Uncertain Significance.

NM_014314.4(RIGI):c.1861G>A (p.Glu621Lys)

Gene: RIGI (RNA sensor RIG-I; minus strand). Cytogenetic location: 9p21.1.
Variant type: single nucleotide variant.
Coding change: c.1861G>A on transcript NM_014314.4 (MANE Select); coding-DNA position 1861, G replaced by A.
Protein change: p.Glu621Lys; replaces glutamic acid 621 with lysine.
Molecular consequence: missense variant.
Genome position (GRCh38, 1-based): chr9:32,477,045, C>T on the plus strand (G>A on the coding strand, the complement: RIGI is on the minus strand). VCF-style: chr9-32477045-C-T. GRCh37 (hg19) VCF-style: chr9-32477043-C-T.
Other names: c.1855G>A, p.Glu619Lys (NM_001385907.1); c.1861G>A, p.Glu621Lys (NM_001385909.1); c.1420G>A, p.Glu474Lys (NM_001385910.1); c.1252G>A, p.Glu418Lys (NM_001385912.1); c.1846G>A, p.Glu616Lys (NM_001385913.1); c.1417G>A, p.Glu473Lys (NM_001385914.1); short protein forms E621K, E418K, E474K, E619K, E473K, E616K.
Identifiers: ClinVar variation 1480162 (VCV001480162.8), dbSNP rs2118742746, ClinGen allele CA373148932.